The following is an entry in ClinVar:

NM_000342.4(SLC4A1):c.1193C>T (p.Thr398Ile)

Gene: SLC4A1 (solute carrier family 4 member 1 (Diego blood group); minus strand). Cytogenetic location: 17q21.31.
Variant type: single nucleotide variant.
Coding change: c.1193C>T on transcript NM_000342.4 (MANE Select); coding-DNA position 1193, C replaced by T.
Protein change: p.Thr398Ile; replaces threonine 398 with isoleucine.
Molecular consequence: missense variant.
Genome position (GRCh38, 1-based): chr17:44,258,075, G>A on the plus strand (C>T on the coding strand, the complement: SLC4A1 is on the minus strand). VCF-style: chr17-44258075-G-A. GRCh37 (hg19) VCF-style: chr17-42335443-G-A.
Other names: p.Thr398Ile; c.1193C>T (NM_000342.3); short protein forms T398I.
Identifiers: ClinVar variation 1023913 (VCV001023913.11), dbSNP rs150913170, ClinGen allele CA8600351.
Genomic context (GRCh38, chr17:44,258,075, plus strand): 5'-GACAGTGCAGCAAAGTAGATGAAGATGACGGCAGCCAGGACCTGGGGGCTGAATGCATCT[G>A]TGATGTCACTCAGGTAATAGGGGTAGCGGCGCCGGATATCACGCACCAGGCCCCCGAAGA-3'
Protein context (NP_000333.1, residues 388-408): RRYPYYLSDI[Thr398Ile]DAFSPQVLAA

ClinVar aggregate classification (germline): Conflicting classifications of pathogenicity. Review status: criteria provided, conflicting classifications (1 of 4 stars). 3 submissions from 3 submitters: Uncertain significance (2); Likely benign (1). Last evaluated 2025-11-11.

Conditions:
Inborn genetic diseases. Identifiers: MedGen C0950123, MeSH D030342.

Allele frequency attached by ClinVar (database versions not stated): gnomAD exomes below 0.00001 and 0.00002; ExAC 0.00003; TOPMed 0.00007; ESP Exome Variant Server 0.00008; gnomAD 0.00009 and 0.00011.
gnomAD v4.1: 22 of 1,614,110 alleles (0.0014%); highest among the groups gnomAD compares: African/African-American, 0.027%; no homozygotes.

Submissions (3):

Labcorp Genetics (formerly Invitae), Labcorp
Classification: Likely benign. Last evaluated: 2025-11-11. Review status: criteria provided, single submitter. Criteria: Invitae Variant Classification Sherloc (09022015). Collection method: clinical testing. Allele origin: germline.

Ambry Genetics
Classification: Uncertain significance for Inborn genetic diseases. Last evaluated: 2025-04-11. Review status: criteria provided, single submitter. Criteria: Ambry Variant Classification Scheme 2023. Collection method: clinical testing. Allele origin: germline.

Mayo Clinic Laboratories, Mayo Clinic
Classification: Uncertain significance. Last evaluated: 2023-06-28. Review status: criteria provided, single submitter. Criteria: ACMG Guidelines, 2015. Collection method: clinical testing. Allele origin: germline. Observed: 1 variant allele.
Comment: PM1